The following is an entry in ClinVar:

ClinVar aggregate classification (germline): Uncertain significance. Review status: criteria provided, multiple submitters, no conflicts (2 of 4 stars). 2 submissions from 2 submitters: Uncertain significance (2). Last evaluated 2022-07-29.

gnomAD v4.1: 2 of 1,540,470 alleles (0.00013%); highest among the groups gnomAD compares: Non-Finnish European, 0.00017%; no homozygotes.

Submissions (2):

Labcorp Genetics (formerly Invitae), Labcorp
Classification: Uncertain significance. Last evaluated: 2022-07-29. Review status: criteria provided, single submitter. Criteria: Invitae Variant Classification Sherloc (09022015). Collection method: clinical testing. Allele origin: germline.
Comment: This sequence change replaces alanine, which is neutral and non-polar, with valine, which is neutral and non-polar, at codon 2537 of the EYS protein (p.Ala2537Val). This variant is not present in population databases (gnomAD no frequency). This variant has not been reported in the literature in individuals affected with EYS-related conditions. ClinVar contains an entry for this variant (Variation ID: 835514). Algorithms developed to predict the effect of missense changes on protein structure and function (SIFT, PolyPhen-2, Align-GVGD) all suggest that this variant is likely to be tolerated. In summary, the available evidence is currently insufficient to determine the role of this variant in disease. Therefore, it has been classified as a Variant of Uncertain Significance.

Blueprint Genetics
Classification: Uncertain significance. Last evaluated: 2021-12-26. Review status: criteria provided, single submitter. Criteria: ACMG Guidelines, 2015. Collection method: clinical testing. Allele origin: germline.

NM_001142800.2(EYS):c.7610C>T (p.Ala2537Val)

Gene: EYS (EGF-like photoreceptor maintenance factor; minus strand). Cytogenetic location: 6q12.
Variant type: single nucleotide variant.
Coding change: c.7610C>T on transcript NM_001142800.2 (MANE Select); coding-DNA position 7610, C replaced by T.
Protein change: p.Ala2537Val; replaces alanine 2537 with valine.
Molecular consequence: missense variant.
Genome position (GRCh38, 1-based): chr6:63,788,218, G>A on the plus strand (C>T on the coding strand, the complement: EYS is on the minus strand). VCF-style: chr6-63788218-G-A. GRCh37 (hg19) VCF-style: chr6-64498111-G-A.
Other names: c.7610C>T, p.Ala2537Val (NM_001292009.2); short protein forms A2537V.
Identifiers: ClinVar variation 835514 (VCV000835514.9), dbSNP rs1770416806, ClinGen allele CA364385480.